The following is an entry in ClinVar:

NM_001184.4(ATR):c.6359G>A (p.Gly2120Asp)

Gene: ATR (ATR checkpoint kinase; minus strand). Cytogenetic location: 3q23.
Variant type: single nucleotide variant.
Coding change: c.6359G>A on transcript NM_001184.4 (MANE Select); coding-DNA position 6359, G replaced by A.
Protein change: p.Gly2120Asp; replaces glycine 2120 with aspartic acid.
Molecular consequence: missense variant.
Genome position (GRCh38, 1-based): chr3:142,469,530, C>T on the plus strand (G>A on the coding strand, the complement: ATR is on the minus strand). VCF-style: chr3-142469530-C-T. GRCh37 (hg19) VCF-style: chr3-142188372-C-T.
Other names: c.6167G>A, p.Gly2056Asp (NM_001354579.2); short protein forms G2056D, G2120D.
Identifiers: ClinVar variation 1753031 (VCV001753031.2), dbSNP rs35134774, ClinGen allele CA354805263.

ClinVar aggregate classification (germline): Uncertain significance (1 of 4 stars; one submission).

Conditions:
Inborn genetic diseases. Identifiers: MedGen C0950123, MeSH D030342.

Submission:

Ambry Genetics
Classification: Uncertain significance for Inborn genetic diseases. Last evaluated: 2022-02-17. Review status: criteria provided, single submitter. Criteria: Ambry Variant Classification Scheme 2023. Collection method: clinical testing. Allele origin: germline.
Comment: The p.G2120D variant (also known as c.6359G>A), located in coding exon 38 of the ATR gene, results from a G to A substitution at nucleotide position 6359. The glycine at codon 2120 is replaced by aspartic acid, an amino acid with similar properties. This amino acid position is conserved. In addition, this alteration is predicted to be tolerated by in silico analysis. Since supporting evidence is limited at this time, the clinical significance of this alteration remains unclear.